The following is an entry in ClinVar:

NM_000455.5(STK11):c.756G>A (p.Leu252=)

Gene: STK11 (serine/threonine kinase 11; plus strand). Cytogenetic location: 19p13.3.
Variant type: single nucleotide variant.
Coding change: c.756G>A on transcript NM_000455.5 (MANE Select); coding-DNA position 756, G replaced by A.
Protein change: p.Leu252=; no amino-acid change (leucine 252 retained).
Molecular consequence: synonymous variant.
Genome position (GRCh38, 1-based): chr19:1,221,234, G>A. VCF-style: chr19-1221234-G-A. GRCh37 (hg19) VCF-style: chr19-1221233-G-A.
Identifiers: ClinVar variation 184573 (VCV000184573.20), dbSNP rs786201544, ClinGen allele CA023265.

ClinVar aggregate classification (germline): Benign/Likely benign. Review status: criteria provided, multiple submitters, no conflicts (2 of 4 stars). 6 submissions from 6 submitters: Benign (1); Likely benign (5). Last evaluated 2025-05-27.

Conditions:
Hereditary cancer-predisposing syndrome. Also called: Tumor predisposition; Hereditary Cancer Syndrome; Hereditary neoplastic syndrome; Neoplastic Syndromes, Hereditary. Identifiers: Orphanet 140162, MedGen C0027672, MeSH D009386, MONDO:0015356.
Peutz-Jeghers syndrome (PJS). Also called: POLYPOSIS, HAMARTOMATOUS INTESTINAL; POLYPS-AND-SPOTS SYNDROME; Peutz-Jeghers polyposis; Periorificial lentiginosis syndrome. Identifiers: Orphanet 2869, MedGen C0031269, MeSH D010580, MONDO:0008280, OMIM 175200.

Allele frequency attached by ClinVar (database versions not stated): gnomAD exomes below 0.00001.
gnomAD v4.1: 2 of 1,612,518 alleles (0.00012%); highest among the groups gnomAD compares: East Asian, 0.0022%; no homozygotes.

Submissions (6):

Labcorp Genetics (formerly Invitae), Labcorp
Classification: Likely benign for Peutz-Jeghers syndrome. Last evaluated: 2025-05-27. Review status: criteria provided, single submitter. Criteria: Invitae Variant Classification Sherloc (09022015). Collection method: clinical testing. Allele origin: germline.

Myriad Genetics, Inc.
Classification: Benign for Peutz-Jeghers syndrome. Last evaluated: 2025-03-27. Review status: criteria provided, single submitter. Criteria: Myriad Autosomal Dominant, Autosomal Recessive and X-Linked Classification Criteria (2023). Collection method: clinical testing. Allele origin: unknown.
Comment: This variant is considered benign. This variant is a silent/synonymous amino acid change and it is not expected to impact splicing.

All of Us Research Program, National Institutes of Health
Classification: Likely benign for Peutz-Jeghers syndrome. Last evaluated: 2023-01-10. Review status: criteria provided, single submitter. Criteria: ACMG Guidelines, 2015. Collection method: clinical testing. Allele origin: germline. Inheritance: Autosomal dominant inheritance. Observed: 1 variant allele, 1 heterozygote.
Comment: This study involves interpretation of variants in research participants for the purpose of population health screening. Participant phenotype was not available at the time of variant classification. Additional details can be found in publication PMID: 35346344, PMCID: PMC8962531

Women's Health and Genetics/Laboratory Corporation of America, LabCorp
Classification: Likely benign. Last evaluated: 2022-06-20. Review status: criteria provided, single submitter. Criteria: LabCorp Variant Classification Summary - May 2015. Collection method: clinical testing. Allele origin: germline.

Color Diagnostics, LLC DBA Color Health
Classification: Likely benign for Hereditary cancer-predisposing syndrome. Last evaluated: 2017-09-07. Review status: criteria provided, single submitter. Criteria: ACMG Guidelines, 2015. Collection method: clinical testing. Allele origin: germline.

Ambry Genetics
Classification: Likely benign for Hereditary cancer-predisposing syndrome. Last evaluated: 2014-10-30. Review status: criteria provided, single submitter. Criteria: Ambry Variant Classification Scheme 2023. Collection method: clinical testing. Allele origin: germline.